The following is an entry in ClinVar:

NM_020937.4(FANCM):c.3875G>T (p.Gly1292Val)

Gene: FANCM (FA complementation group M; plus strand). Cytogenetic location: 14q21.2.
Variant type: single nucleotide variant.
Coding change: c.3875G>T on transcript NM_020937.4 (MANE Select); coding-DNA position 3875, G replaced by T.
Protein change: p.Gly1292Val; replaces glycine 1292 with valine.
Molecular consequence: missense variant.
Genome position (GRCh38, 1-based): chr14:45,176,629, G>T. VCF-style: chr14-45176629-G-T. GRCh37 (hg19) VCF-style: chr14-45645832-G-T.
Other names: c.3797G>T, p.Gly1266Val (NM_001308133.2); short protein forms G1292V, G1266V.
Identifiers: ClinVar variation 4022882 (VCV004022882.1).

ClinVar aggregate classification (germline): Uncertain significance (1 of 4 stars; one submission).

Conditions:
Inborn genetic diseases. Identifiers: MedGen C0950123, MeSH D030342.

Submission:

Ambry Genetics
Classification: Uncertain significance for Inborn genetic diseases. Last evaluated: 2025-06-13. Review status: criteria provided, single submitter. Criteria: Ambry Variant Classification Scheme 2023. Collection method: clinical testing. Allele origin: germline.
Comment: The p.G1292V variant (also known as c.3875G>T), located in coding exon 14 of the FANCM gene, results from a G to T substitution at nucleotide position 3875. The glycine at codon 1292 is replaced by valine, an amino acid with dissimilar properties. This amino acid position is conserved. In addition, this alteration is predicted to be tolerated by in silico analysis. Based on the available evidence, the clinical significance of this variant remains unclear.